The following is an entry in ClinVar:

NM_153676.4(USH1C):c.579+2T>C

Gene: USH1C (USH1 protein network component harmonin; minus strand). Cytogenetic location: 11p15.1.
Variant type: single nucleotide variant.
Coding change: c.579+2T>C on transcript NM_153676.4 (MANE Select); the canonical splice donor site of the intron after coding-DNA position 579, T replaced by C.
Molecular consequence: splice donor variant.
Genome position (GRCh38, 1-based): chr11:17,526,751, A>G on the plus strand (T>C on the coding strand, the complement: USH1C is on the minus strand). VCF-style: chr11-17526751-A-G. GRCh37 (hg19) VCF-style: chr11-17548298-A-G.
Other names: c.579+2T>C (NM_001297764.2, NM_005709.4).
Identifiers: ClinVar variation 3601019 (VCV003601019.1).

ClinVar aggregate classification (germline): Likely pathogenic (1 of 4 stars; one submission).

Conditions:
Autosomal recessive nonsyndromic hearing loss 18A. Also called: DEAFNESS, AUTOSOMAL RECESSIVE 18; Deafness, autosomal recessive 18A. Identifiers: Orphanet 90636, MedGen C1865870, MONDO:0011192, OMIM 602092.

Submission:

Institute of Rare Diseases, West China Hospital, Sichuan University
Classification: Likely pathogenic for Autosomal recessive nonsyndromic hearing loss 18A. Last evaluated: 2025-01-09. Review status: criteria provided, single submitter. Criteria: ClinGen HL ACMG Specifications v1. Collection method: research. Allele origin: germline. Affected: yes.
Comment: PVS1;PM2_Supporting